The following is an entry in ClinVar:

ClinVar aggregate classification (germline): Conflicting classifications of pathogenicity. Review status: criteria provided, conflicting classifications (1 of 4 stars). 2 submissions from 2 submitters: Uncertain significance (1); Likely benign (1). Last evaluated 2024-01-01.

Conditions:
Kleefstra syndrome 1 (KLEFS1). Identifiers: Orphanet 261494, MedGen C0795833, MONDO:0027407, OMIM 610253.

Allele frequency attached by ClinVar (database versions not stated): gnomAD exomes below 0.00001.
gnomAD v4.1: 3 of 1,612,570 alleles (0.00019%); highest among the groups gnomAD compares: South Asian, 0.0011%; no homozygotes.

Submissions (2):

Daryl Scott Lab, Baylor College of Medicine
Classification: Uncertain significance for Kleefstra syndrome 1. Last evaluated: 2024-01-01. Review status: criteria provided, single submitter. Criteria: ACMG Guidelines, 2015. Collection method: clinical testing. Allele origin: unknown. Observed: 1 heterozygote.
Comment: PM2

Labcorp Genetics (formerly Invitae), Labcorp
Classification: Likely benign for Kleefstra syndrome 1. Last evaluated: 2022-12-06. Review status: criteria provided, single submitter. Criteria: Invitae Variant Classification Sherloc (09022015). Collection method: clinical testing. Allele origin: germline.

NM_024757.5(EHMT1):c.587C>T (p.Ala196Val)

Gene: EHMT1 (euchromatic histone lysine methyltransferase 1; plus strand). Cytogenetic location: 9q34.3.
Variant type: single nucleotide variant.
Coding change: c.587C>T on transcript NM_024757.5 (MANE Select); coding-DNA position 587, C replaced by T.
Protein change: p.Ala196Val; replaces alanine 196 with valine.
Molecular consequence: missense variant.
Genome position (GRCh38, 1-based): chr9:137,717,127, C>T. VCF-style: chr9-137717127-C-T. GRCh37 (hg19) VCF-style: chr9-140611579-C-T.
Other names: c.587C>T, p.Ala196Val (NM_001145527.2, NM_001354263.2, NM_001354611.2); c.494C>T, p.Ala165Val (NM_001354259.2, NM_001354612.2); short protein forms A165V, A196V.
Identifiers: ClinVar variation 1367156 (VCV001367156.9), dbSNP rs1368780488, ClinGen allele CA375766181.